The following is an entry in ClinVar:

ClinVar aggregate classification (germline): Benign. Review status: criteria provided, multiple submitters, no conflicts (2 of 4 stars). 2 submissions from 2 submitters: Benign (2). Last evaluated 2018-06-17.

Allele frequency attached by ClinVar (database versions not stated): gnomAD exomes 0.06662; gnomAD 0.08956 and 0.09153; TOPMed 0.09237; 1000 Genomes Project 0.10104; 1000 Genomes Project 30x 0.10306.
gnomAD v4.1: 40,693 of 557,028 alleles (7.3%); highest among the groups gnomAD compares: African/African-American, 16%; 1,851 homozygotes.

Submissions (2):

GeneDx
Classification: Benign. Last evaluated: 2018-06-17. Review status: criteria provided, single submitter. Criteria: GeneDx Variant Classification (06012015). Collection method: clinical testing. Allele origin: germline. Affected: yes.
Comment: This variant is considered likely benign or benign based on one or more of the following criteria: it is a conservative change, it occurs at a poorly conserved position in the protein, it is predicted to be benign by multiple in silico algorithms, and/or has population frequency not consistent with disease.

Breakthrough Genomics
Classification: Benign. Review status: criteria provided, single submitter. Criteria: ACMG Guidelines, 2015. Collection method: not provided. Allele origin: germline. Inheritance: Autosomal recessive inheritance. Affected: yes.

NM_001199397.3(NEK1):c.-48-89A>G

Gene: NEK1 (NIMA related kinase 1; minus strand). Cytogenetic location: 4q33.
Variant type: single nucleotide variant.
Coding change: c.-48-89A>G on transcript NM_001199397.3 (MANE Select); 89 bases into the intron before 48 bases upstream of the start codon, A replaced by G.
Molecular consequence: intron variant.
Genome position (GRCh38, 1-based): chr4:169,602,767, T>C on the plus strand (A>G on the coding strand, the complement: NEK1 is on the minus strand). VCF-style: chr4-169602767-T-C. GRCh37 (hg19) VCF-style: chr4-170523918-T-C.
Other names: c.-48-89A>G (NM_001374421.1, NM_001374420.1, NM_001199399.3 and 7 more transcripts).
Identifiers: ClinVar variation 675102 (VCV000675102.2), dbSNP rs4257622, ClinGen allele CA109926165.
Genomic context (GRCh38, chr4:169,602,767, plus strand): 5'-ATGAGATAAAACATTATAACTTCATAACAATTTTAATGTTTAATTCAAATTCTAATTCTT[T>C]AGTGATTTGCTAACATTTTAAAAAAGGATATTTAATATATTCACTAAAAGTTACACTTTA-3'